The following is an entry in ClinVar:

NM_033305.3(VPS13A):c.8182A>G (p.Thr2728Ala)

Gene: VPS13A (vacuolar protein sorting 13 homolog A; plus strand). Cytogenetic location: 9q21.2.
Variant type: single nucleotide variant.
Coding change: c.8182A>G on transcript NM_033305.3 (MANE Select); coding-DNA position 8182, A replaced by G.
Protein change: p.Thr2728Ala; replaces threonine 2728 with alanine.
Molecular consequence: missense variant.
Genome position (GRCh38, 1-based): chr9:77,360,612, A>G. VCF-style: chr9-77360612-A-G. GRCh37 (hg19) VCF-style: chr9-79975528-A-G.
Other names: c.8065A>G, p.Thr2689Ala (NM_001018037.2); c.8182A>G, p.Thr2728Ala (NM_001018038.3, NM_015186.4); short protein forms T2689A, T2728A.
Identifiers: ClinVar variation 1964505 (VCV001964505.5), dbSNP rs1195630140, ClinGen allele CA373861319.
Genomic context (GRCh38, chr9:77,360,612, plus strand): 5'-ATTCAAGAAATGGATCTCAGGTTAGATCTTGGGTTTATCTATGCTTTAACAGACCTTATG[A>G]CAGAAGCTGAGGTGACTGAAAATACAGAGGTAAGACTTAAAATAATAACATTTGATGGAA-3'
Protein context (NP_150648.2, residues 2718-2738): GFIYALTDLM[Thr2728Ala]EAEVTENTEV

ClinVar aggregate classification (germline): Uncertain significance (1 of 4 stars; one submission).

Allele frequency attached by ClinVar (database versions not stated): gnomAD exomes below 0.00001.
gnomAD v4.1: 1 of 1,612,962 alleles (0.000062%); highest among the groups gnomAD compares: Admixed American, 0.0017%; no homozygotes.

Submission:

Labcorp Genetics (formerly Invitae), Labcorp
Classification: Uncertain significance. Last evaluated: 2022-01-20. Review status: criteria provided, single submitter. Criteria: Invitae Variant Classification Sherloc (09022015). Collection method: clinical testing. Allele origin: germline.
Comment: This sequence change replaces threonine, which is neutral and polar, with alanine, which is neutral and non-polar, at codon 2728 of the VPS13A protein (p.Thr2728Ala). This variant is present in population databases (no rsID available, gnomAD 0.003%). This variant has not been reported in the literature in individuals affected with VPS13A-related conditions. Algorithms developed to predict the effect of missense changes on protein structure and function output the following: SIFT: "Tolerated"; PolyPhen-2: "Benign"; Align-GVGD: "Class C0". The alanine amino acid residue is found in multiple mammalian species, which suggests that this missense change does not adversely affect protein function. In summary, the available evidence is currently insufficient to determine the role of this variant in disease. Therefore, it has been classified as a Variant of Uncertain Significance.